The following is an entry in ClinVar:

ClinVar aggregate classification (germline): Uncertain significance (1 of 4 stars; one submission).

Allele frequency attached by ClinVar (database versions not stated): ExAC 0.00001; gnomAD 0.00001.

Submission:

Labcorp Genetics (formerly Invitae), Labcorp
Classification: Uncertain significance. Last evaluated: 2022-08-08. Review status: criteria provided, single submitter. Criteria: Invitae Variant Classification Sherloc (09022015). Collection method: clinical testing. Allele origin: germline.
Comment: This sequence change replaces arginine, which is basic and polar, with glutamine, which is neutral and polar, at codon 1081 of the TONSL protein (p.Arg1081Gln). The frequency data for this variant in the population databases is considered unreliable, as metrics indicate poor data quality at this position in the gnomAD database. This variant has not been reported in the literature in individuals affected with TONSL-related conditions. Algorithms developed to predict the effect of missense changes on protein structure and function output the following: SIFT: "Tolerated"; PolyPhen-2: "Benign"; Align-GVGD: "Class C0". The glutamine amino acid residue is found in multiple mammalian species, which suggests that this missense change does not adversely affect protein function. In summary, the available evidence is currently insufficient to determine the role of this variant in disease. Therefore, it has been classified as a Variant of Uncertain Significance.

NM_013432.5(TONSL):c.3242G>A (p.Arg1081Gln)

Gene: TONSL (tonsoku like, DNA repair protein; minus strand). Cytogenetic location: 8q24.3.
Variant type: single nucleotide variant.
Coding change: c.3242G>A on transcript NM_013432.5 (MANE Select); coding-DNA position 3242, G replaced by A.
Protein change: p.Arg1081Gln; replaces arginine 1081 with glutamine.
Molecular consequence: missense variant.
Genome position (GRCh38, 1-based): chr8:144,434,123, C>T on the plus strand (G>A on the coding strand, the complement: TONSL is on the minus strand). VCF-style: chr8-144434123-C-T. GRCh37 (hg19) VCF-style: chr8-145659506-C-T.
Other names: short protein forms R1081Q.
Identifiers: ClinVar variation 2170837 (VCV002170837.1), dbSNP rs782604369, ClinGen allele CA4942555.
Genomic context (GRCh38, chr8:144,434,123, plus strand): 5'-GCCAGGCTGGGCATGGTGCCCAGGGCAGCCACCAGCTCAGCCACACACTTGTCCCCCAGC[C>T]GGTTCCCTGCCAGGCGCAGCTCCCGGAGTGCTGTGTGCAGCTTGAGGGCCCGCAGCAGGG-3'
Protein context (NP_038460.4, residues 1071-1091): ALRELRLAGN[Arg1081Gln]LGDKCVAELV